The following is an entry in ClinVar:

ClinVar aggregate classification (germline): Uncertain significance (1 of 4 stars; one submission).

Conditions:
Loeys-Dietz syndrome 2 (LDS2). Also called: TGFBR2-Related Loeys-Dietz Syndrome; AORTIC ANEURYSM, FAMILIAL THORACIC 3; MARFAN SYNDROME, TYPE II; Marfan syndrome, type 2 (formerly); Marfan Syndrome type 2; Marfan like connective tissue disorder. Identifiers: Orphanet 284973, Orphanet 558, MedGen C2674574, MONDO:0012427, OMIM 610168.

Submission:

All of Us Research Program, National Institutes of Health
Classification: Uncertain significance for Loeys-Dietz syndrome 2. Last evaluated: 2023-10-02. Review status: criteria provided, single submitter. Criteria: ACMG Guidelines, 2015. Collection method: clinical testing. Allele origin: germline. Inheritance: Autosomal dominant inheritance. Observed: 2 variant alleles, 2 heterozygotes.
Comment: This variant causes a duplication of seven amino acids in exon 1 of the TGFBR2 protein. To our knowledge, functional studies have not been reported for this variant. This variant has not been reported in individuals affected with TGFBR2-related disorders in the literature. This variant has not been identified in the general population by the Genome Aggregation Database (gnomAD). The available evidence is insufficient to determine the role of this variant in disease conclusively. Therefore, this variant is classified as a Variant of Uncertain Significance.

This study involves interpretation of variants in research participants for the purpose of population health screening. Participant phenotype was not available at the time of variant classification. Additional details can be found in publication PMID: 35346344, PMCID: PMC8962531

NM_003242.6(TGFBR2):c.35_55dup (p.Thr18_Arg19insLeuHisIleValLeuTrpThr)

Gene: TGFBR2 (transforming growth factor beta receptor 2; plus strand). Cytogenetic location: 3p24.1.
Variant type: Duplication.
Coding change: c.35_55dup on transcript NM_003242.6 (MANE Select); coding-DNA positions 35 to 55, 21 bases duplicated (TGCACATCGTCCTGTGGACGC).
Protein change: p.Thr18_Arg19insLeuHisIleValLeuTrpThr.
Molecular consequence: inframe insertion. On other transcripts: 5 prime UTR variant (4), intron variant (2).
Genome position (GRCh38, 1-based): chr3:30,606,918-30,606,938, TGCACATCGTCCTGTGGACGC duplicated; duplicating any 21 consecutive bases within chr3:30,606,915-30,606,938 gives the same sequence; the c. name uses the placement nearest the transcript's 3' end. VCF-style (leftmost placement, unchanged base first): chr3-30606914-C-CCGCTGCACATCGTCCTGTGGA. GRCh37 (hg19) VCF-style: chr3-30648406-C-CCGCTGCACATCGTCCTGTGGA.
Other names: c.-127_-107dup (NM_001407134.1); c.-174_-154dup (NM_001407135.1); c.-259_-239dup (NM_001407136.1); c.35_55dup, p.Thr18_Arg19insLeuHisIleValLeuTrpThr (NM_001407126.1, NM_001407137.1, NM_001407139.1 and 4 more transcripts); c.-249_-229dup (NM_001407133.1); c.-12+325_-12+345dup (NM_001407129.1, NM_001407132.1).
Identifiers: ClinVar variation 3070771 (VCV003070771.1), dbSNP rs2470443536, ClinGen allele CA2755703554.
Genomic context (GRCh38, chr3:30,606,914, plus strand): 5'-CTCGGTCTATGACGAGCAGCGGGGTCTGCCATGGGTCGGGGGCTGCTCAGGGGCCTGTGG[C>CCGCTGCACATCGTCCTGTGGA]CGCTGCACATCGTCCTGTGGACGCGTATCGCCAGCACGATCCCACCGCACGTTCAGAAGT-3'